The following is an entry in ClinVar:

ClinVar aggregate classification (germline): Uncertain significance (1 of 4 stars; one submission).

Conditions:
Bethlem myopathy 1A. Also called: MYOPATHY, BENIGN CONGENITAL, WITH CONTRACTURES; Bethlem myopathy 1; Bethlem Muscular Dystrophy. Identifiers: Orphanet 610, MedGen CN029274, MONDO:0024530, OMIM 158810.

Allele frequency attached by ClinVar (database versions not stated): gnomAD exomes below 0.00001.
gnomAD v4.1: 4 of 1,614,222 alleles (0.00025%); highest among the groups gnomAD compares: South Asian, 0.0011%; no homozygotes.

Submission:

Labcorp Genetics (formerly Invitae), Labcorp
Classification: Uncertain significance for Bethlem myopathy 1A. Last evaluated: 2023-11-28. Review status: criteria provided, single submitter. Criteria: Invitae Variant Classification Sherloc (09022015). Collection method: clinical testing. Allele origin: germline.
Comment: This sequence change replaces threonine, which is neutral and polar, with isoleucine, which is neutral and non-polar, at codon 695 of the COL6A3 protein (p.Thr695Ile). This variant is not present in population databases (gnomAD no frequency). This variant has not been reported in the literature in individuals affected with COL6A3-related conditions. Advanced modeling of protein sequence and biophysical properties (such as structural, functional, and spatial information, amino acid conservation, physicochemical variation, residue mobility, and thermodynamic stability) performed at Invitae indicates that this missense variant is not expected to disrupt COL6A3 protein function with a negative predictive value of 95%. In summary, the available evidence is currently insufficient to determine the role of this variant in disease. Therefore, it has been classified as a Variant of Uncertain Significance.

NM_004369.4(COL6A3):c.2084C>T (p.Thr695Ile)

Gene: COL6A3 (collagen type VI alpha 3 chain; minus strand). Cytogenetic location: 2q37.3.
Variant type: single nucleotide variant.
Coding change: c.2084C>T on transcript NM_004369.4 (MANE Select); coding-DNA position 2084, C replaced by T.
Protein change: p.Thr695Ile; replaces threonine 695 with isoleucine.
Molecular consequence: missense variant. On other transcripts: intron variant (1).
Genome position (GRCh38, 1-based): chr2:237,379,049, G>A on the plus strand (C>T on the coding strand, the complement: COL6A3 is on the minus strand). VCF-style: chr2-237379049-G-A. GRCh37 (hg19) VCF-style: chr2-238287692-G-A.
Other names: c.863C>T, p.Thr288Ile (NM_057164.5); c.1466C>T, p.Thr489Ile (NM_057165.5, NM_057167.4); c.677-1705C>T (NM_057166.5); short protein forms T288I, T695I, T489I.
Identifiers: ClinVar variation 2970696 (VCV002970696.3), dbSNP rs2469920850, ClinGen allele CA351214644.